The following is an entry in ClinVar:

ClinVar aggregate classification (germline): Uncertain significance. Review status: criteria provided, multiple submitters, no conflicts (2 of 4 stars). 3 submissions from 3 submitters: Uncertain significance (3). Last evaluated 2025-10-23.

Conditions:
Myopathy, centronuclear, 2 (CNM2). Also called: MYOTUBULAR MYOPATHY, AUTOSOMAL RECESSIVE. Identifiers: Orphanet 169186, MedGen CN031787, MONDO:0009709, OMIM 255200.
Inborn genetic diseases. Identifiers: MedGen C0950123, MeSH D030342.

Allele frequency attached by ClinVar (database versions not stated): ExAC 0.00003; gnomAD exomes 0.00007; ESP Exome Variant Server 0.00008; TOPMed 0.00004; gnomAD 0.00007.
gnomAD v4.1: 110 of 1,613,850 alleles (0.0068%); highest among the groups gnomAD compares: Non-Finnish European, 0.0092%; no homozygotes.

Submissions (3):

Labcorp Genetics (formerly Invitae), Labcorp
Classification: Uncertain significance for Myopathy, centronuclear, 2. Last evaluated: 2025-10-23. Review status: criteria provided, single submitter. Criteria: Invitae Variant Classification Sherloc (09022015). Collection method: clinical testing. Allele origin: germline.
Comment: This sequence change replaces phenylalanine, which is neutral and non-polar, with leucine, which is neutral and non-polar, at codon 498 of the BIN1 protein (p.Phe498Leu). This variant is present in population databases (rs368238742, gnomAD 0.01%). This variant has not been reported in the literature in individuals affected with BIN1-related conditions. ClinVar contains an entry for this variant (Variation ID: 2367119). Invitae Evidence Modeling of protein sequence and biophysical properties (such as structural, functional, and spatial information, amino acid conservation, physicochemical variation, residue mobility, and thermodynamic stability) indicates that this missense variant is not expected to disrupt BIN1 protein function with a negative predictive value of 80%. In summary, the available evidence is currently insufficient to determine the role of this variant in disease. Therefore, it has been classified as a Variant of Uncertain Significance.

Ambry Genetics
Classification: Uncertain significance for Inborn genetic diseases. Last evaluated: 2022-11-08. Review status: criteria provided, single submitter. Criteria: Ambry Variant Classification Scheme 2023. Collection method: clinical testing. Allele origin: germline.

Revvity Omics, Revvity
Classification: Uncertain significance for Myopathy, centronuclear, 2. Last evaluated: 2019-06-25. Review status: criteria provided, single submitter. Criteria: ACMG Guidelines, 2015. Collection method: clinical testing. Allele origin: germline.

NM_139343.3(BIN1):c.1492T>C (p.Phe498Leu)

Gene: BIN1 (bridging integrator 1; minus strand). Cytogenetic location: 2q14.3.
Variant type: single nucleotide variant.
Coding change: c.1492T>C on transcript NM_139343.3 (MANE Select); coding-DNA position 1492, T replaced by C.
Protein change: p.Phe498Leu; replaces phenylalanine 498 with leucine.
Molecular consequence: missense variant.
Genome position (GRCh38, 1-based): chr2:127,050,882, A>G on the plus strand (T>C on the coding strand, the complement: BIN1 is on the minus strand). VCF-style: chr2-127050882-A-G. GRCh37 (hg19) VCF-style: chr2-127808458-A-G.
Other names: c.985T>C, p.Phe329Leu (NM_001320632.2); c.1123T>C, p.Phe375Leu (NM_001320633.2); c.868T>C, p.Phe290Leu (NM_001320634.1); c.1252T>C, p.Phe418Leu (NM_001320640.2); c.1399T>C, p.Phe467Leu (NM_001320641.2); c.1411T>C, p.Phe471Leu (NM_001320642.1); c.1075T>C, p.Phe359Leu (NM_004305.4); c.1363T>C, p.Phe455Leu (NM_139344.3); and 7 more; short protein forms F359L, F375L, F387L, F314L, F380L, F402L, F423L, F471L.
Identifiers: ClinVar variation 2367119 (VCV002367119.8), dbSNP rs368238742, ClinGen allele CA1857019.